The following is an entry in ClinVar:

NM_000321.3(RB1):c.208G>A (p.Val70Ile)

Gene: RB1 (RB transcriptional corepressor 1; plus strand). Cytogenetic location: 13q14.2.
Variant type: single nucleotide variant.
Coding change: c.208G>A on transcript NM_000321.3 (MANE Select); coding-DNA position 208, G replaced by A.
Protein change: p.Val70Ile; replaces valine 70 with isoleucine.
Molecular consequence: missense variant.
Genome position (GRCh38, 1-based): chr13:48,307,350, G>A. VCF-style: chr13-48307350-G-A. GRCh37 (hg19) VCF-style: chr13-48881486-G-A.
Other names: c.208G>A (NM_000321.2); short protein forms V70I.
Identifiers: ClinVar variation 1447750 (VCV001447750.9), dbSNP rs2138034226, ClinGen allele CA388250580.

ClinVar aggregate classification (germline): Uncertain significance. Review status: criteria provided, multiple submitters, no conflicts (2 of 4 stars). 2 submissions from 2 submitters: Uncertain significance (2). Last evaluated 2025-03-13.

Conditions:
Retinoblastoma (RB1). Also called: RETINOBLASTOMA, SOMATIC. Identifiers: Orphanet 790, MedGen C0035335, MeSH D012175, MONDO:0008380, OMIM 180200, HP:0009919. Disease mechanism: loss of function. Inheritance: Both sporadic and heritable forms are tested..
Hereditary cancer-predisposing syndrome. Also called: Hereditary Cancer Syndrome; Hereditary neoplastic syndrome; Neoplastic Syndromes, Hereditary; Tumor predisposition. Identifiers: Orphanet 140162, MedGen C0027672, MeSH D009386, MONDO:0015356.

Submissions (2):

Ambry Genetics
Classification: Uncertain significance for Hereditary cancer-predisposing syndrome. Last evaluated: 2025-03-13. Review status: criteria provided, single submitter. Criteria: Ambry Variant Classification Scheme 2023. Collection method: clinical testing. Allele origin: germline.
Comment: The p.V70I variant (also known as c.208G>A), located in coding exon 2 of the RB1 gene, results from a G to A substitution at nucleotide position 208. The valine at codon 70 is replaced by isoleucine, an amino acid with highly similar properties. This amino acid position is highly conserved in available vertebrate species. In addition, the in silico prediction for this alteration is inconclusive. Based on the available evidence, the clinical significance of this variant remains unclear.

Labcorp Genetics (formerly Invitae), Labcorp
Classification: Uncertain significance for Retinoblastoma. Last evaluated: 2023-05-22. Review status: criteria provided, single submitter. Criteria: Invitae Variant Classification Sherloc (09022015). Collection method: clinical testing. Allele origin: germline.
Comment: In summary, the available evidence is currently insufficient to determine the role of this variant in disease. Therefore, it has been classified as a Variant of Uncertain Significance. Advanced modeling of protein sequence and biophysical properties (such as structural, functional, and spatial information, amino acid conservation, physicochemical variation, residue mobility, and thermodynamic stability) performed at Invitae indicates that this missense variant is not expected to disrupt RB1 protein function. ClinVar contains an entry for this variant (Variation ID: 1447750). This variant has not been reported in the literature in individuals affected with RB1-related conditions. This variant is not present in population databases (gnomAD no frequency). This sequence change replaces valine, which is neutral and non-polar, with isoleucine, which is neutral and non-polar, at codon 70 of the RB1 protein (p.Val70Ile).